The following is an entry in ClinVar:

NM_000157.4(GBA1):c.1399C>T (p.Pro467Ser)

Genes: GBA1 (glucosylceramidase beta 1; minus strand), LOC106627981 (GBA recombination region; plus strand). Cytogenetic location: 1q22.
Variant type: single nucleotide variant.
Coding change: c.1399C>T on transcript NM_000157.4 (MANE Select); coding-DNA position 1399, C replaced by T.
Protein change: p.Pro467Ser; replaces proline 467 with serine.
Molecular consequence: missense variant.
Genome position (GRCh38, 1-based): chr1:155,235,301, G>A on the plus strand (C>T on the coding strand, the complement: GBA1 is on the minus strand). VCF-style: chr1-155235301-G-A. GRCh37 (hg19) VCF-style: chr1-155205092-G-A.
Other names: c.1399C>T, p.Pro467Ser (NM_001005741.3, NM_001005742.3); c.1138C>T, p.Pro380Ser (NM_001171811.2); c.1252C>T, p.Pro418Ser (NM_001171812.2); short protein forms P380S, P418S, P467S.
Identifiers: ClinVar variation 3769068 (VCV003769068.2).

ClinVar aggregate classification (germline): Uncertain significance (1 of 4 stars; one submission).

gnomAD v4.1: 2 of 1,612,786 alleles (0.00012%); highest among the groups gnomAD compares: Non-Finnish European, 0.00017%; no homozygotes.

Submission:

Women's Health and Genetics/Laboratory Corporation of America, LabCorp
Classification: Uncertain significance. Last evaluated: 2025-01-16. Review status: criteria provided, single submitter. Criteria: LabCorp Variant Classification Summary - May 2015. Collection method: clinical testing. Allele origin: germline.
Comment: Variant summary: GBA1 c.1399C>T (p.Pro467Ser) results in a non-conservative amino acid change in the encoded protein sequence. Three of five in-silico tools predict a damaging effect of the variant on protein function. The variant was absent in 250298 control chromosomes. The available data on variant occurrences in the general population are insufficient to allow any conclusion about variant significance. This report does not provide unequivocal conclusions about association of the variant with GBA-related disorders. To our knowledge, no experimental evidence demonstrating an impact on protein function has been reported. The following publication have been ascertained in the context of this evaluation (PMID: 24997549). No submitters have cited clinical-significance assessments for this variant to ClinVar. Based on the evidence outlined above, the variant was classified as uncertain significance.

Literature cited by the submitters: PubMed 24997549.